The following is an entry in ClinVar:

ClinVar aggregate classification (germline): Likely benign. Review status: criteria provided, multiple submitters, no conflicts (2 of 4 stars). 3 submissions from 3 submitters: Likely benign (2). 1 of the submissions does not count toward it. Last evaluated 2025-10-29.

Conditions:
Atrioventricular septal defect 4 (AVSD4). Identifiers: MedGen C3280781, MONDO:0013747, OMIM 614430.
GATA4-related disorder. Also called: GATA4-related condition. Identifiers: MedGen CN860321.

Allele frequency attached by ClinVar (database versions not stated): TOPMed 0.00002.
gnomAD v4.1: 12 of 1,613,246 alleles (0.00074%); highest among the groups gnomAD compares: African/African-American, 0.0013%; no homozygotes.

Submissions (3):

Labcorp Genetics (formerly Invitae), Labcorp
Classification: Likely benign for Atrioventricular septal defect 4. Last evaluated: 2025-10-29. Review status: criteria provided, single submitter. Criteria: Invitae Variant Classification Sherloc (09022015). Collection method: clinical testing. Allele origin: germline.

Blueprint Genetics
Classification: Likely benign. Last evaluated: 2021-10-20. Review status: criteria provided, single submitter. Criteria: ACMG Guidelines, 2015. Collection method: clinical testing. Allele origin: germline.

PreventionGenetics, part of Exact Sciences
Classification: Likely benign for GATA4-related condition. Last evaluated: 2021-06-29. Review status: no assertion criteria provided. Collection method: clinical testing. Allele origin: germline. Not counted in ClinVar's aggregate classification.
Comment: This variant is classified as likely benign based on ACMG/AMP sequence variant interpretation guidelines (Richards et al. 2015 PMID: 25741868, with internal and published modifications).

NM_001308093.3(GATA4):c.1149+7G>A

Gene: GATA4 (GATA binding protein 4). Cytogenetic location: 8p23.1.
Variant type: single nucleotide variant.
Coding change: c.1149+7G>A on transcript NM_001308093.3 (MANE Select); 7 bases into the intron after coding-DNA position 1149, G replaced by A.
Molecular consequence: intron variant.
Genome position (GRCh38, 1-based): chr8:11,757,090, G>A. VCF-style: chr8-11757090-G-A. GRCh37 (hg19) VCF-style: chr8-11614599-G-A.
Other names: c.528+7G>A (NM_001308094.2, NM_001374273.1); c.1146+7G>A (NM_002052.5, NM_002052.4); c.402+7G>A (NM_001374274.1).
Identifiers: ClinVar variation 703577 (VCV000703577.12), dbSNP rs781457045, ClinGen allele CA4630844.